The following is an entry in ClinVar:

ClinVar aggregate classification (germline): Uncertain significance (1 of 4 stars; one submission).

Conditions:
Aicardi-Goutieres syndrome 7 (AGS7). Identifiers: Orphanet 51, MedGen C3888244, MONDO:0014367, OMIM 615846.
Singleton-Merten syndrome 1 (SGMRT1). Also called: Widened medullary cavities of bone, aortic calcification, abnormal dentition, and muscular weakness; Syndrome of widened medullary cavities of the metacarpals and phalanges, aortic calcification and abnormal dentition. Identifiers: Orphanet 85191, MedGen C4225427, MONDO:0024535, OMIM 182250.

gnomAD v4.1: 6 of 1,608,696 alleles (0.00037%); highest among the groups gnomAD compares: Non-Finnish European, 0.00034%; no homozygotes.

Submissions (2):

Labcorp Genetics (formerly Invitae), Labcorp
Classification: Uncertain significance for Aicardi-Goutieres syndrome 7; Singleton-Merten syndrome 1. Last evaluated: 2025-08-19. Review status: criteria provided, single submitter. Criteria: Invitae Variant Classification Sherloc (09022015). Collection method: clinical testing. Allele origin: germline.
Comment: This sequence change affects a donor splice site in intron 7 of the IFIH1 gene. It is expected to disrupt RNA splicing. Variants that disrupt the donor or acceptor splice site typically lead to a loss of protein function (PMID: 16199547), however the current clinical and genetic evidence is not sufficient to establish whether loss-of-function variants in IFIH1 cause disease. This variant is not present in population databases (gnomAD no frequency). Disruption of this splice site has been observed in individual(s) with clinical features of IFIH1-related conditions (PMID: 30564185). ClinVar contains an entry for this variant (Variation ID: 1349257). Algorithms developed to predict the effect of sequence changes on RNA splicing suggest that this variant may disrupt the consensus splice site. In summary, the available evidence is currently insufficient to determine the role of this variant in disease. Therefore, it has been classified as a Variant of Uncertain Significance.

Dr. Peter K. Rogan Lab, Western University
No classification provided (evidence only). Condition: Cervical cancer. Review status: no classification provided. Collection method: in vitro. Allele origin: not applicable. Functional consequence: skipped exon, retained intron. Not counted in ClinVar's aggregate classification.

Literature cited by the submitters: PubMed 16199547 (cited by Labcorp Genetics (formerly Invitae), Labcorp); PubMed 30564185 (cited by Labcorp Genetics (formerly Invitae), Labcorp).

NM_022168.4(IFIH1):c.1524+1G>T

Gene: IFIH1 (interferon induced with helicase C domain 1; minus strand). Cytogenetic location: 2q24.2.
Variant type: single nucleotide variant.
Coding change: c.1524+1G>T on transcript NM_022168.4 (MANE Select); the canonical splice donor site of the intron after coding-DNA position 1524, G replaced by T.
Molecular consequence: splice donor variant.
Genome position (GRCh38, 1-based): chr2:162,281,327, C>A on the plus strand (G>T on the coding strand, the complement: IFIH1 is on the minus strand). VCF-style: chr2-162281327-C-A. GRCh37 (hg19) VCF-style: chr2-163137837-C-A.
Identifiers: ClinVar variation 1349257 (VCV001349257.7), dbSNP rs898118498, ClinGen allele CA59664696.